The following is an entry in ClinVar:

NM_006206.6(PDGFRA):c.1450G>T (p.Val484Leu)

Gene: PDGFRA (platelet derived growth factor receptor alpha; plus strand). Cytogenetic location: 4q12.
Variant type: single nucleotide variant.
Coding change: c.1450G>T on transcript NM_006206.6 (MANE Select); coding-DNA position 1450, G replaced by T.
Protein change: p.Val484Leu; replaces valine 484 with leucine.
Molecular consequence: missense variant.
Genome position (GRCh38, 1-based): chr4:54,273,622, G>T. VCF-style: chr4-54273622-G-T. GRCh37 (hg19) VCF-style: chr4-55139789-G-T.
Other names: c.1450G>T, p.Val484Leu (NM_001347827.2, NM_001347829.2); c.1525G>T, p.Val509Leu (NM_001347828.2); c.1489G>T, p.Val497Leu (NM_001347830.2); short protein forms V497L, V509L, V484L.
Identifiers: ClinVar variation 2039690 (VCV002039690.4), dbSNP rs149031291, ClinGen allele CA356892593.

ClinVar aggregate classification (germline): Uncertain significance (1 of 4 stars; one submission).

Conditions:
Gastrointestinal stromal tumor. Also called: Gastrointestinal stroma tumor; Gastrointestinal stromal tumor, somatic. Identifiers: Orphanet 44890, MedGen C0238198, MeSH D046152, MONDO:0011719, OMIM 606764, HP:0100723.

Submission:

Labcorp Genetics (formerly Invitae), Labcorp
Classification: Uncertain significance for Gastrointestinal stromal tumor. Last evaluated: 2022-10-02. Review status: criteria provided, single submitter. Criteria: Invitae Variant Classification Sherloc (09022015). Collection method: clinical testing. Allele origin: germline.
Comment: This variant is not present in population databases (gnomAD no frequency). In summary, the available evidence is currently insufficient to determine the role of this variant in disease. Therefore, it has been classified as a Variant of Uncertain Significance. Algorithms developed to predict the effect of missense changes on protein structure and function (SIFT, PolyPhen-2, Align-GVGD) all suggest that this variant is likely to be tolerated. This variant has not been reported in the literature in individuals affected with PDGFRA-related conditions. This sequence change replaces valine, which is neutral and non-polar, with leucine, which is neutral and non-polar, at codon 484 of the PDGFRA protein (p.Val484Leu).